The following is an entry in ClinVar:

NM_006364.4(SEC23A):c.854G>A (p.Arg285His)

Gene: SEC23A (SEC23 homolog A, COPII component; minus strand). Cytogenetic location: 14q21.1.
Variant type: single nucleotide variant.
Coding change: c.854G>A on transcript NM_006364.4 (MANE Select); coding-DNA position 854, G replaced by A.
Protein change: p.Arg285His; replaces arginine 285 with histidine.
Molecular consequence: missense variant.
Genome position (GRCh38, 1-based): chr14:39,076,068, C>T on the plus strand (G>A on the coding strand, the complement: SEC23A is on the minus strand). VCF-style: chr14-39076068-C-T. GRCh37 (hg19) VCF-style: chr14-39545272-C-T.
Other names: short protein forms R285H.
Identifiers: ClinVar variation 3710115 (VCV003710115.2).
Genomic context (GRCh38, chr14:39,076,068, plus strand): 5'-TCATCTCCAACCACCATTCCAGGCCCCTGAGTAGCAGGACCACCAATGAACATCATGATA[C>T]GAGCACCAGTGTTGGGAAAAGTACACTATTAAAAAAAAAGTCAAGAGTTTAAAAGAAAAC-3'
Protein context (NP_006355.2, residues 275-295): LECTFPNTGA[Arg285His]IMMFIGGPAT

ClinVar aggregate classification (germline): Uncertain significance (1 of 4 stars; one submission).

Conditions:
Craniolenticulosutural dysplasia (CLSD). Also called: BOYADJIEV-JABS SYNDROME. Identifiers: Orphanet 50814, MedGen C1843042, MONDO:0011911, OMIM 607812.

Submission:

Labcorp Genetics (formerly Invitae), Labcorp
Classification: Uncertain significance for Craniolenticulosutural dysplasia. Last evaluated: 2025-01-10. Review status: criteria provided, single submitter. Criteria: Invitae Variant Classification Sherloc (09022015). Collection method: clinical testing. Allele origin: germline.
Comment: This sequence change replaces arginine, which is basic and polar, with histidine, which is basic and polar, at codon 285 of the SEC23A protein (p.Arg285His). This variant is present in population databases (rs768946218, gnomAD 0.01%). This variant has not been reported in the literature in individuals affected with SEC23A-related conditions. Invitae Evidence Modeling of protein sequence and biophysical properties (such as structural, functional, and spatial information, amino acid conservation, physicochemical variation, residue mobility, and thermodynamic stability) indicates that this missense variant is not expected to disrupt SEC23A protein function with a negative predictive value of 80%. In summary, the available evidence is currently insufficient to determine the role of this variant in disease. Therefore, it has been classified as a Variant of Uncertain Significance.